The following is an entry in ClinVar:

NM_139076.3(ABRAXAS1):c.14G>C (p.Ser5Thr)

Genes: ABRAXAS1 (abraxas 1, BRCA1 A complex subunit; minus strand), LOC129992784 (ATAC-STARR-seq lymphoblastoid silent region 15542; plus strand). Cytogenetic location: 4q21.23.
Variant type: single nucleotide variant.
Coding change: c.14G>C on transcript NM_139076.3 (MANE Select); coding-DNA position 14, G replaced by C.
Protein change: p.Ser5Thr; replaces serine 5 with threonine.
Molecular consequence: missense variant. On other transcripts: 5 prime UTR variant (1).
Genome position (GRCh38, 1-based): chr4:83,485,059, C>G on the plus strand (G>C on the coding strand, the complement: ABRAXAS1 is on the minus strand). VCF-style: chr4-83485059-C-G. GRCh37 (hg19) VCF-style: chr4-84406212-C-G.
Other names: c.-247G>C (NM_001345962.2); c.14G>C (NM_139076.2); short protein forms S5T.
Identifiers: ClinVar variation 1045028 (VCV001045028.10), dbSNP rs1359421507, ClinGen allele CA357264102.

ClinVar aggregate classification (germline): Uncertain significance. Review status: criteria provided, multiple submitters, no conflicts (2 of 4 stars). 2 submissions from 2 submitters: Uncertain significance (2). Last evaluated 2023-11-10.

Submissions (2):

Ambry Genetics
Classification: Uncertain significance. Last evaluated: 2023-11-10. Review status: criteria provided, single submitter. Criteria: Ambry Variant Classification Scheme 2023. Collection method: clinical testing. Allele origin: germline.
Comment: The p.S5T variant (also known as c.14G>C), located in coding exon 1 of the FAM175A gene, results from a G to C substitution at nucleotide position 14. The serine at codon 5 is replaced by threonine, an amino acid with similar properties. This amino acid position is conserved. In addition, this alteration is predicted to be tolerated by in silico analysis. Since supporting evidence is limited at this time, the clinical significance of this alteration remains unclear.

Labcorp Genetics (formerly Invitae), Labcorp
Classification: Uncertain significance. Last evaluated: 2017-05-07. Review status: criteria provided, single submitter. Criteria: Invitae Variant Classification Sherloc (09022015). Collection method: clinical testing. Allele origin: germline.
Comment: Algorithms developed to predict the effect of missense changes on protein structure and function do not agree on the potential impact of this missense change (SIFT: "Tolerated"; PolyPhen-2: "Possibly Damaging"; Align-GVGD: "Class C0"). This sequence change replaces serine with threonine at codon 5 of the FAM175A protein (p.Ser5Thr). The serine residue is moderately conserved and there is a small physicochemical difference between serine and threonine. This variant is not present in population databases (ExAC no frequency) and has not been reported in the literature in individuals with a FAM175A-related disease. In summary, this variant is a novel missense change with uncertain impact on protein function. It has been classified as a Variant of Uncertain Significance.